The following is an entry in ClinVar:

NM_001374828.1(ARID1B):c.3277A>T (p.Lys1093Ter)

Gene: ARID1B (AT-rich interaction domain 1B; plus strand). Cytogenetic location: 6q25.3.
Variant type: single nucleotide variant.
Coding change: c.3277A>T on transcript NM_001374828.1 (MANE Select); coding-DNA position 3277, A replaced by T.
Protein change: p.Lys1093Ter; replaces lysine 1093 with a stop codon.
Molecular consequence: nonsense.
Genome position (GRCh38, 1-based): chr6:157,174,049, A>T. VCF-style: chr6-157174049-A-T. GRCh37 (hg19) VCF-style: chr6-157495183-A-T.
Other names: c.778A>T, p.Lys260Ter (NM_001363725.2); c.3316A>T, p.Lys1106Ter (NM_001371656.1, NM_001374820.1); c.3277A>T, p.Lys1093Ter (NM_017519.3); c.3067A>T (NM_020732.3); short protein forms K1106*, K260*, K1093*.
Identifiers: ClinVar variation 972901 (VCV000972901.2), dbSNP rs902091666, ClinGen allele CA366224419.

ClinVar aggregate classification (germline): Pathogenic (1 of 4 stars; one submission).

Conditions:
Coffin-Siris syndrome 1 (CSS1). Also called: ARID1B-Related Coffin-Siris Syndrome; Mental retardation, autosomal dominant 12. Identifiers: Orphanet 1465, MedGen C3281201, MONDO:0007617, OMIM 135900. Disease mechanism: gain of function.

Submission:

Institute for Genomic Statistics and Bioinformatics, University Hospital Bonn
Classification: Pathogenic for Coffin-Siris syndrome 1. Review status: criteria provided, single submitter. Criteria: ACMG Guidelines, 2015. Collection method: clinical testing. Allele origin: de novo. Inheritance: Autosomal dominant inheritance. Affected: yes. Observed: 1 heterozygote.
Comment: By means of exome sequencing and subsequent analysis of the genes with the ten highest PEDIA values (PMID: 31164752) in the context of the phenotype, a disease-causing nonsense variant in the ARID1B gene was detected. The sequencing of exon 11 (NM_020732) revealed a heterozygous base exchange at nucleotide position 3067 of the cDNA. The designation of the variant is: c.3067A> T; p. (Lys10232 *). This replaces the amino acid lysine (AAA) codon with a premature stop codon (TAA). In phenotype-related and population-related databases, the variant not listed. The ACMG classification of the variant is: pathogenic (Class 5: PVS1, PS2, PM2).